The following is an entry in ClinVar:

NC_012920.1(MT-TA):m.5631G>A

Gene: MT-TA (mitochondrially encoded tRNA alanine; minus strand).
Variant type: single nucleotide variant.
Genome position: chrM-5631-G-A.
Identifiers: ClinVar variation 162369 (VCV000162369.3), dbSNP rs786200950, ClinGen allele CA274531.
Genomic context (GRCh38, chrMT:5,631, plus strand): 5'-TAATTTCTGTAACAGCTAAGGACTGCAAAACCCCACTCTGCATCAACTGAACGCAAATCA[G>A]CCACTTTAATTAAGCTAAGCCCTTACTAGACCAATGGGACTTAAACCCACAAACACTTAG-3'

ClinVar aggregate classification (germline): Uncertain significance. Review status: reviewed by expert panel (3 of 4 stars). 3 submissions from 3 submitters: Uncertain significance (1). 2 of the submissions do not count toward it. Last evaluated 2024-02-26.

Conditions:
Mitochondrial disease. Also called: Mitochondrial disorder; Mitochondrial disorders. Identifiers: Orphanet 68380, MedGen C0751651, MeSH D028361, MONDO:0044970.
Inborn mitochondrial myopathy. Also called: Mitochondrial myopathy; Mitochondrial Myopathies. Identifiers: Orphanet 206966, MedGen C0162670, MONDO:0009637, HP:0003737.

Submissions (3):

ClinGen Mitochondrial Disease Nuclear and Mitochondrial  Variant Curation Expert Panel, ClinGen
Classification: Uncertain significance for Mitochondrial disease. Last evaluated: 2024-02-26. Review status: reviewed by expert panel. Criteria: McCormick et al. (Hum Mutat. 2020). Collection method: curation. Allele origin: germline. Inheritance: Mitochondrial inheritance.
Comment: Decreased activities of mitochondrial respiratory chain enzymes complexes I, II/III, and IV were noted although values were not provided. The variant was present in the proband at 92% in muscle, 77% in blood, 77% in hair shafts, 69% in urinary epithelial cells, and 44% in buccal sample. As this is the only case reported to date, PS4 could not be applied. There are no reported de novo occurrences of this variant to our knowledge. Computational predictors are conflicting precluding consideration of PP3 or BP4 (MitoTIP: 43.4%; HmtVAR: 0.45). There is one occurrence of this variant in Mitomap's 61, 134 sequences (AF=0.002%; Hg L0a); one heteroplasmic occurrence in Helix's 195,983 sequences (AF=0.001%; 10-20% heteroplasmy, Hg W); and one heteroplasmic occurrence in gnomAD v3.1.2 (0.002%; Hg V, PM2_supporting). Single fiber testing showed higher levels of the variant in COX deficient fibers (n=18; 95.1% +/- 0.45) than in COX positive fibers (n=22; 83.8% +/- 3.38; PS3_supporting, PMID: 25873012). In summary, this variant meets criteria to be classified as uncertain significance for primary mitochondrial disease inherited in a mitochondrial manner. This classification was approved by the NICHD/NINDS U24 ClinGen Mitochondrial Disease Variant Curation Expert Panel on February 26, 2024. Mitochondrial DNA-specific ACMG/AMP criteria applied (PMID: 32906214): PM2_supporting, PS3_supporting.

Mendelics
Classification: Pathogenic for Mitochondrial disease. Last evaluated: 2022-05-04. Review status: criteria provided, single submitter. Criteria: Mendelics Assertion Criteria 2019. Collection method: clinical testing. Allele origin: germline. Not counted in ClinVar's aggregate classification.

Mitochondrial Research Group, Newcastle University
Classification: Pathogenic for Mitochondrial myopathy. Last evaluated: 2014-12-15. Review status: no assertion criteria provided. Collection method: clinical testing. Allele origin: maternal. Affected: yes. Not counted in ClinVar's aggregate classification.

Literature cited by the submitters: PubMed 25873012 (cited by Mitochondrial Research Group, Newcastle University).